The following is an entry in ClinVar:

NM_206937.2(LIG4):c.2046T>G (p.Ile682Met)

Gene: LIG4 (DNA ligase 4; minus strand). Cytogenetic location: 13q33.3.
Variant type: single nucleotide variant.
Coding change: c.2046T>G on transcript NM_206937.2 (MANE Select); coding-DNA position 2046, T replaced by G.
Protein change: p.Ile682Met; replaces isoleucine 682 with methionine.
Molecular consequence: missense variant.
Genome position (GRCh38, 1-based): chr13:108,209,223, A>C on the plus strand (T>G on the coding strand, the complement: LIG4 is on the minus strand). VCF-style: chr13-108209223-A-C. GRCh37 (hg19) VCF-style: chr13-108861571-A-C.
Other names: c.2046T>G, p.Ile682Met (NM_001098268.2, NM_001352598.2, NM_001352599.2 and 6 more transcripts); c.1845T>G, p.Ile615Met (NM_001330595.2); c.2082T>G, p.Ile694Met (NM_001352604.2); short protein forms I615M, I682M, I694M.
Identifiers: ClinVar variation 1380826 (VCV001380826.6), dbSNP rs2138969520, ClinGen allele CA388614274.
Genomic context (GRCh38, chr13:108,209,223, plus strand): 5'-TGCAATTACACAGTACGTGTCTGGGCCTGGATTTTGTACTATATAACCACCAAATTCTGC[A>C]ATTCTGTTCTCCAGGTCAGGCTTTGGCTGGCTATCTGTTCCACTCATAACACAAAACTCT-3'
Protein context (NP_996820.1, residues 672-692): SQPKPDLENR[Ile682Met]AEFGGYIVQN

ClinVar aggregate classification (germline): Uncertain significance (1 of 4 stars; one submission).

Conditions:
DNA ligase IV deficiency. Identifiers: Orphanet 99812, MedGen C1847827, MONDO:0011686, OMIM 606593.

Submission:

Labcorp Genetics (formerly Invitae), Labcorp
Classification: Uncertain significance for DNA ligase IV deficiency. Last evaluated: 2025-03-17. Review status: criteria provided, single submitter. Criteria: Invitae Variant Classification Sherloc (09022015). Collection method: clinical testing. Allele origin: germline.
Comment: This sequence change replaces isoleucine, which is neutral and non-polar, with methionine, which is neutral and non-polar, at codon 682 of the LIG4 protein (p.Ile682Met). This variant is not present in population databases (gnomAD no frequency). This variant has not been reported in the literature in individuals affected with LIG4-related conditions. ClinVar contains an entry for this variant (Variation ID: 1380826). Invitae Evidence Modeling of protein sequence and biophysical properties (such as structural, functional, and spatial information, amino acid conservation, physicochemical variation, residue mobility, and thermodynamic stability) indicates that this missense variant is expected to disrupt LIG4 protein function with a positive predictive value of 95%. In summary, the available evidence is currently insufficient to determine the role of this variant in disease. Therefore, it has been classified as a Variant of Uncertain Significance.